The following is an entry in ClinVar:

NM_001130682.3(GUCY1A1):c.822G>A (p.Ser274=)

Gene: GUCY1A1 (guanylate cyclase 1 soluble subunit alpha 1; plus strand). Cytogenetic location: 4q32.1.
Variant type: single nucleotide variant.
Coding change: c.822G>A on transcript NM_001130682.3 (MANE Select); coding-DNA position 822, G replaced by A.
Protein change: p.Ser274=; no amino-acid change (serine 274 retained).
Molecular consequence: synonymous variant. On other transcripts: intron variant (1).
Genome position (GRCh38, 1-based): chr4:155,710,987, G>A. VCF-style: chr4-155710987-G-A. GRCh37 (hg19) VCF-style: chr4-156632139-G-A.
Other names: c.822G>A, p.Ser274= (NM_000856.6, NM_001130683.4, NM_001130684.3 and 12 more transcripts); c.117G>A, p.Ser39= (NM_001130685.3); c.377-62G>A (NM_001379676.1).
Identifiers: ClinVar variation 711123 (VCV000711123.39), dbSNP rs148529562, ClinGen allele CA3117264.

ClinVar aggregate classification (germline): Likely benign. Review status: criteria provided, multiple submitters, no conflicts (2 of 4 stars). 3 submissions from 3 submitters: Likely benign (3). Last evaluated 2025-08-04.

Conditions:
GUCY1A1-related disorder. Also called: GUCY1A1-related condition.

Allele frequency attached by ClinVar (database versions not stated): 1000 Genomes Project 30x 0.00016; 1000 Genomes Project 0.00020; TOPMed 0.00023; ESP Exome Variant Server 0.00038.
gnomAD v4.1: 565 of 1,613,490 alleles (0.035%); highest among the groups gnomAD compares: Non-Finnish European, 0.044%; no homozygotes.

Submissions (3):

PreventionGenetics, part of Exact Sciences
Classification: Likely benign for GUCY1A1-related condition. Last evaluated: 2025-08-04. Review status: criteria provided, single submitter. Criteria: ACMG Guidelines, 2015. Collection method: clinical testing. Allele origin: germline.
Comment: This variant is classified as likely benign based on ACMG/AMP sequence variant interpretation guidelines (Richards et al. 2015 PMID: 25741868, with internal and published modifications).

CeGaT Center for Human Genetics Tuebingen
Classification: Likely benign. Last evaluated: 2021-10-01. Review status: criteria provided, single submitter. Criteria: CeGaT Center For Human Genetics Tuebingen Variant Classification Criteria Version 2. Collection method: clinical testing. Allele origin: germline. Affected: yes. Observed: 1 variant allele.

Labcorp Genetics (formerly Invitae), Labcorp
Classification: Likely benign. Last evaluated: 2019-12-31. Review status: criteria provided, single submitter. Criteria: Invitae Variant Classification Sherloc (09022015). Collection method: clinical testing. Allele origin: germline.